The following is an entry in ClinVar:

NM_015046.7(SETX):c.3566A>G (p.Asn1189Ser)

Gene: SETX (senataxin; minus strand). Cytogenetic location: 9q34.13.
Variant type: single nucleotide variant.
Coding change: c.3566A>G on transcript NM_015046.7 (MANE Select); coding-DNA position 3566, A replaced by G.
Protein change: p.Asn1189Ser; replaces asparagine 1189 with serine.
Molecular consequence: missense variant.
Genome position (GRCh38, 1-based): chr9:132,328,032, T>C on the plus strand (A>G on the coding strand, the complement: SETX is on the minus strand). VCF-style: chr9-132328032-T-C. GRCh37 (hg19) VCF-style: chr9-135203419-T-C.
Other names: c.3566A>G, p.Asn1189Ser (NM_001351527.2, NM_001351528.2); short protein forms N1189S.
Identifiers: ClinVar variation 2684367 (VCV002684367.1), dbSNP rs2539107336, ClinGen allele CA375330078.

ClinVar aggregate classification (germline): Uncertain significance (1 of 4 stars; one submission).

gnomAD v4.1: 1 of 1,614,116 alleles (0.000062%); highest among the groups gnomAD compares: Non-Finnish European, 0.000085%; no homozygotes.

Submission:

Athena Diagnostics
Classification: Uncertain significance. Last evaluated: 2023-02-02. Review status: criteria provided, single submitter. Criteria: Athena Diagnostics Criteria. Collection method: clinical testing. Allele origin: unknown.
Comment: Available data are insufficient to determine the clinical significance of the variant at this time. This variant has not been reported in large, multi-ethnic general populations. Computational tools predict that this variant is not damaging.